The following is an entry in ClinVar:

ClinVar aggregate classification (germline): Benign/Likely benign. Review status: criteria provided, multiple submitters, no conflicts (2 of 4 stars). 4 submissions from 4 submitters: Benign (2); Likely benign (1). 1 of the submissions does not count toward it. Last evaluated 2025-05-21.

Conditions:
Van der Woude syndrome 2 (VWS2). Identifiers: Orphanet 888, MedGen C1847604, MONDO:0011712, OMIM 606713.
GRHL3-related disorder. Also called: GRHL3-related condition.

Allele frequency attached by ClinVar (database versions not stated): gnomAD exomes 0.00028 and 0.00083; ExAC 0.00095; 1000 Genomes Project 30x 0.00219; 1000 Genomes Project 0.00260; gnomAD 0.00281 and 0.00307; TOPMed 0.00335; ESP Exome Variant Server 0.00423.
gnomAD v4.1: 867 of 1,614,138 alleles (0.054%); highest among the groups gnomAD compares: African/African-American, 1%; 2 homozygotes.

Submissions (4):

Labcorp Genetics (formerly Invitae), Labcorp
Classification: Benign for Van der Woude syndrome 2. Last evaluated: 2025-05-21. Review status: criteria provided, single submitter. Criteria: Invitae Variant Classification Sherloc (09022015). Collection method: clinical testing. Allele origin: germline.

Blueprint Genetics
Classification: Likely benign. Last evaluated: 2024-11-25. Review status: criteria provided, single submitter. Criteria: ACMG Guidelines, 2015. Collection method: clinical testing. Allele origin: germline.

Breakthrough Genomics
Classification: Benign. Review status: criteria provided, single submitter. Criteria: ACMG Guidelines, 2015. Collection method: not provided. Allele origin: germline. Inheritance: Autosomal dominant inheritance. Affected: yes.

PreventionGenetics, part of Exact Sciences
Classification: Likely benign for GRHL3-related condition. Last evaluated: 2019-04-09. Review status: no assertion criteria provided. Collection method: clinical testing. Allele origin: germline. Not counted in ClinVar's aggregate classification.
Comment: This variant is classified as likely benign based on ACMG/AMP sequence variant interpretation guidelines (Richards et al. 2015 PMID: 25741868, with internal and published modifications).

NM_198173.3(GRHL3):c.507T>C (p.Asp169=)

Gene: GRHL3 (grainyhead like transcription factor 3; plus strand). Cytogenetic location: 1p36.11.
Variant type: single nucleotide variant.
Coding change: c.507T>C on transcript NM_198173.3 (MANE Select); coding-DNA position 507, T replaced by C.
Protein change: p.Asp169=; no amino-acid change (aspartic acid 169 retained).
Molecular consequence: synonymous variant.
Genome position (GRCh38, 1-based): chr1:24,336,722, T>C. VCF-style: chr1-24336722-T-C. GRCh37 (hg19) VCF-style: chr1-24663212-T-C.
Other names: c.507T>C (NM_198173.2); c.369T>C, p.Asp123= (NM_001195010.2); c.522T>C, p.Asp174= (NM_021180.4); c.507T>C, p.Asp169= (NM_198174.3).
Identifiers: ClinVar variation 707227 (VCV000707227.9), dbSNP rs35868286, ClinGen allele CA689909.